The following is an entry in ClinVar:

NM_014159.7(SETD2):c.5872G>A (p.Ala1958Thr)

Gene: SETD2 (SET domain containing 2, histone lysine methyltransferase; minus strand). Cytogenetic location: 3p21.31.
Variant type: single nucleotide variant.
Coding change: c.5872G>A on transcript NM_014159.7 (MANE Select); coding-DNA position 5872, G replaced by A.
Protein change: p.Ala1958Thr; replaces alanine 1958 with threonine.
Molecular consequence: missense variant. On other transcripts: non-coding transcript variant (1).
Genome position (GRCh38, 1-based): chr3:47,083,908, C>T on the plus strand (G>A on the coding strand, the complement: SETD2 is on the minus strand). VCF-style: chr3-47083908-C-T. GRCh37 (hg19) VCF-style: chr3-47125398-C-T.
Other names: c.5740G>A, p.Ala1914Thr (NM_001349370.3); short protein forms A1958T, A1914T.
Identifiers: ClinVar variation 947321 (VCV000947321.6), dbSNP rs377115716, ClinGen allele CA2362839.

ClinVar aggregate classification (germline): Uncertain significance (1 of 4 stars; one submission).

Conditions:
Luscan-Lumish syndrome. Identifiers: Orphanet 597738, MedGen C4085873, MONDO:0014791, OMIM 616831.

Allele frequency attached by ClinVar (database versions not stated): TOPMed 0.00009; ESP Exome Variant Server 0.00015.
gnomAD v4.1: 49 of 1,614,026 alleles (0.003%); highest among the groups gnomAD compares: African/African-American, 0.036%; no homozygotes.

Submission:

Labcorp Genetics (formerly Invitae), Labcorp
Classification: Uncertain significance for Luscan-Lumish syndrome. Last evaluated: 2024-06-24. Review status: criteria provided, single submitter. Criteria: Invitae Variant Classification Sherloc (09022015). Collection method: clinical testing. Allele origin: germline.
Comment: This sequence change replaces alanine, which is neutral and non-polar, with threonine, which is neutral and polar, at codon 1958 of the SETD2 protein (p.Ala1958Thr). This variant is present in population databases (rs377115716, gnomAD 0.04%). This variant has not been reported in the literature in individuals affected with SETD2-related conditions. ClinVar contains an entry for this variant (Variation ID: 947321). Advanced modeling of protein sequence and biophysical properties (such as structural, functional, and spatial information, amino acid conservation, physicochemical variation, residue mobility, and thermodynamic stability) performed at Invitae indicates that this missense variant is not expected to disrupt SETD2 protein function with a negative predictive value of 80%. In summary, the available evidence is currently insufficient to determine the role of this variant in disease. Therefore, it has been classified as a Variant of Uncertain Significance.